The following is an entry in ClinVar:

ClinVar aggregate classification (germline): Benign. Review status: criteria provided, multiple submitters, no conflicts (2 of 4 stars). 7 submissions from 7 submitters: Benign (7). Last evaluated 2026-05-08.

Conditions:
3M syndrome 2. Also called: 3-M Syndrome, OBSL1-Related; THREE M SYNDROME 2. Identifiers: Orphanet 2616, MedGen C2752041, MONDO:0013039, OMIM 612921.

Allele frequency attached by ClinVar (database versions not stated): 1000 Genomes Project 30x 0.16818; 1000 Genomes Project 0.17173; TOPMed 0.18289; gnomAD 0.18850 and 0.19336; ESP Exome Variant Server 0.19590; gnomAD exomes 0.22336; ExAC 0.24860.
gnomAD v4.1: 374,882 of 1,596,950 alleles (23%); highest among the groups gnomAD compares: South Asian, 30%; 46,161 homozygotes.

Submissions (7):

Women's Health and Genetics/Laboratory Corporation of America, LabCorp
Classification: Benign. Last evaluated: 2026-05-08. Review status: criteria provided, single submitter. Criteria: LabCorp Variant Classification Summary - May 2015. Collection method: clinical testing. Allele origin: germline.

Labcorp Genetics (formerly Invitae), Labcorp
Classification: Benign. Last evaluated: 2026-02-04. Review status: criteria provided, single submitter. Criteria: Invitae Variant Classification Sherloc (09022015). Collection method: clinical testing. Allele origin: germline.

Blueprint Genetics
Classification: Benign. Last evaluated: 2024-11-26. Review status: criteria provided, single submitter. Criteria: ACMG Guidelines, 2015. Collection method: clinical testing. Allele origin: germline.

Genome-Nilou Lab
Classification: Benign for 3M syndrome 2. Last evaluated: 2021-09-05. Review status: criteria provided, single submitter. Criteria: ACMG Guidelines, 2015. Collection method: clinical testing. Allele origin: germline. Affected: no.

GeneDx
Classification: Benign. Last evaluated: 2021-06-09. Review status: criteria provided, single submitter. Criteria: GeneDx Variant Classification Process June 2021. Collection method: clinical testing. Allele origin: germline. Affected: yes.

Illumina Laboratory Services, Illumina
Classification: Benign for 3M syndrome 2. Last evaluated: 2018-01-13. Review status: criteria provided, single submitter. Criteria: ICSL Variant Classification Criteria 13 December 2019. Collection method: clinical testing. Allele origin: germline.
Comment: This variant was observed in the ICSL laboratory as part of a predisposition screen in an ostensibly healthy population. It had not been previously curated by ICSL or reported in the Human Gene Mutation Database (HGMD: prior to June 1st, 2018), and was therefore a candidate for classification through an automated scoring system. Utilizing variant allele frequency, disease prevalence and penetrance estimates, and inheritance mode, an automated score was calculated to assess if this variant is too frequent to cause the disease. Based on the score and internal cut-off values, a variant classified as benign is not then subjected to further curation. The score for this variant resulted in a classification of benign for this disease.

Breakthrough Genomics
Classification: Benign. Review status: criteria provided, single submitter. Criteria: ACMG Guidelines, 2015. Collection method: not provided. Allele origin: germline. Inheritance: Autosomal recessive inheritance. Affected: yes.

NM_015311.3(OBSL1):c.1818C>T (p.Phe606=)

Gene: OBSL1 (obscurin like cytoskeletal adaptor 1; minus strand). Cytogenetic location: 2q35.
Variant type: single nucleotide variant.
Coding change: c.1818C>T on transcript NM_015311.3 (MANE Select); coding-DNA position 1818, C replaced by T.
Protein change: p.Phe606=; no amino-acid change (phenylalanine 606 retained).
Molecular consequence: synonymous variant.
Genome position (GRCh38, 1-based): chr2:219,567,292, G>A on the plus strand (C>T on the coding strand, the complement: OBSL1 is on the minus strand). VCF-style: chr2-219567292-G-A. GRCh37 (hg19) VCF-style: chr2-220432014-G-A.
Other names: c.1818C>T, p.Phe606= (NM_001173408.2, NM_001173431.2).
Identifiers: ClinVar variation 334517 (VCV000334517.20), dbSNP rs61732787, ClinGen allele CA2131422.
Genomic context (GRCh38, chr2:219,567,292, plus strand): 5'-GGGAGGAGAAGTGATGGGTGGGTCTGGCAGGACCAACTCACCAAGGTGAGCAGAACCGTG[G>A]AACACCACGTGGGGACTACGGCCATGTCCGCTGACTGTGCAGATGCGGAAGCGGTAGTCA-3'
Protein context (NP_056126.1, residues 596-616): SGHGRSPHVV[Phe606=]HGSAHLVPTA